The following is an entry in ClinVar:

ClinVar aggregate classification (germline): Uncertain significance (1 of 4 stars; one submission).

Conditions:
Rubinstein-Taybi syndrome (RSTS). Identifiers: Orphanet 783, MedGen C0035934, MONDO:0019188.

Allele frequency attached by ClinVar (database versions not stated): gnomAD exomes below 0.00001.
gnomAD v4.1: 1 of 1,614,188 alleles (0.000062%); highest among the groups gnomAD compares: Non-Finnish European, 0.000085%; no homozygotes.

Submission:

Labcorp Genetics (formerly Invitae), Labcorp
Classification: Uncertain significance for Rubinstein-Taybi syndrome. Last evaluated: 2023-11-11. Review status: criteria provided, single submitter. Criteria: Invitae Variant Classification Sherloc (09022015). Collection method: clinical testing. Allele origin: germline.
Comment: This sequence change replaces asparagine, which is neutral and polar, with tyrosine, which is neutral and polar, at codon 58 of the CREBBP protein (p.Asn58Tyr). This variant is not present in population databases (gnomAD no frequency). This variant has not been reported in the literature in individuals affected with CREBBP-related conditions. Advanced modeling of protein sequence and biophysical properties (such as structural, functional, and spatial information, amino acid conservation, physicochemical variation, residue mobility, and thermodynamic stability) has been performed at Invitae for this missense variant, however the output from this modeling did not meet the statistical confidence thresholds required to predict the impact of this variant on CREBBP protein function. In summary, the available evidence is currently insufficient to determine the role of this variant in disease. Therefore, it has been classified as a Variant of Uncertain Significance.

NM_004380.3(CREBBP):c.172A>T (p.Asn58Tyr)

Gene: CREBBP (CREB binding lysine acetyltransferase; minus strand). Cytogenetic location: 16p13.3.
Variant type: single nucleotide variant.
Coding change: c.172A>T on transcript NM_004380.3 (MANE Select); coding-DNA position 172, A replaced by T.
Protein change: p.Asn58Tyr; replaces asparagine 58 with tyrosine.
Molecular consequence: missense variant.
Genome position (GRCh38, 1-based): chr16:3,850,923, T>A on the plus strand (A>T on the coding strand, the complement: CREBBP is on the minus strand). VCF-style: chr16-3850923-T-A. GRCh37 (hg19) VCF-style: chr16-3900924-T-A.
Other names: c.172A>T, p.Asn58Tyr (NM_001079846.1); short protein forms N58Y.
Identifiers: ClinVar variation 2845728 (VCV002845728.3), dbSNP rs2548546613, ClinGen allele CA394562451.